The following is an entry in ClinVar:

NM_016292.3(TRAP1):c.1748T>C (p.Met583Thr)

Genes: DNASE1 (deoxyribonuclease 1; plus strand), TRAP1 (TNF receptor associated protein 1; minus strand). Cytogenetic location: 16p13.3.
Variant type: single nucleotide variant.
Coding change: c.1748T>C on transcript NM_016292.3 (MANE Select); coding-DNA position 1748, T replaced by C.
Protein change: p.Met583Thr; replaces methionine 583 with threonine.
Molecular consequence: missense variant. On other transcripts: 3 prime UTR variant (1).
Genome position (GRCh38, 1-based): chr16:3,662,928, A>G on the plus strand (T>C on the coding strand, the complement: TRAP1 is on the minus strand). VCF-style: chr16-3662928-A-G. GRCh37 (hg19) VCF-style: chr16-3712929-A-G.
Other names: c.1589T>C, p.Met530Thr (NM_001272049.2); c.*304A>G (NM_001387140.1); short protein forms M583T, M530T.
Identifiers: ClinVar variation 1915746 (VCV001915746.4), dbSNP rs200368990, ClinGen allele CA276978787.
Genomic context (GRCh38, chr16:3,662,928, plus strand): 5'-CGGGAAAGCCTCACCTTCACGTTGGTGACACGCGACCCCAGCACATTTCTCATCCAGGCC[A>G]TGAGCTCCTCCGTCTCCTTCTCTGATAGGCACTCGGCGGCTGCGGAAGAGCAGGCGACAG-3'
Protein context (NP_057376.2, residues 573-593): CLSEKETEEL[Met583Thr]AWMRNVLGSR

ClinVar aggregate classification (germline): Uncertain significance (1 of 4 stars; one submission).

Allele frequency attached by ClinVar (database versions not stated): TOPMed 0.00001; 1000 Genomes Project 0.00020; gnomAD exomes below 0.00001; gnomAD 0.00002; 1000 Genomes Project 30x 0.00016.
gnomAD v4.1: 8 of 1,613,044 alleles (0.0005%); highest among the groups gnomAD compares: East Asian, 0.0045%; no homozygotes.

Submission:

Labcorp Genetics (formerly Invitae), Labcorp
Classification: Uncertain significance. Last evaluated: 2025-04-08. Review status: criteria provided, single submitter. Criteria: Invitae Variant Classification Sherloc (09022015). Collection method: clinical testing. Allele origin: germline.
Comment: This sequence change replaces methionine, which is neutral and non-polar, with threonine, which is neutral and polar, at codon 583 of the TRAP1 protein (p.Met583Thr). The frequency data for this variant in the population databases is considered unreliable, as metrics indicate poor data quality at this position in the gnomAD database. This variant has not been reported in the literature in individuals affected with TRAP1-related conditions. ClinVar contains an entry for this variant (Variation ID: 1915746). Invitae Evidence Modeling of protein sequence and biophysical properties (such as structural, functional, and spatial information, amino acid conservation, physicochemical variation, residue mobility, and thermodynamic stability) indicates that this missense variant is not expected to disrupt TRAP1 protein function with a negative predictive value of 80%. In summary, the available evidence is currently insufficient to determine the role of this variant in disease. Therefore, it has been classified as a Variant of Uncertain Significance.